The following is an entry in ClinVar:

ClinVar aggregate classification (germline): Likely benign. Review status: criteria provided, single submitter (1 of 4 stars). 2 submissions from 2 submitters: Likely benign (1). 1 of the submissions does not count toward it. Last evaluated 2022-11-01.

Conditions:
FAT2-related disorder. Also called: FAT2-related condition.

Allele frequency attached by ClinVar (database versions not stated): gnomAD 0.00003; TOPMed 0.00003; gnomAD exomes 0.00001; ExAC 0.00002.
gnomAD v4.1: 26 of 1,614,102 alleles (0.0016%); highest among the groups gnomAD compares: Non-Finnish European, 0.0021%; no homozygotes.

Submissions (2):

CeGaT Center for Human Genetics Tuebingen
Classification: Likely benign. Last evaluated: 2022-11-01. Review status: criteria provided, single submitter. Criteria: CeGaT Center For Human Genetics Tuebingen Variant Classification Criteria Version 2. Collection method: clinical testing. Allele origin: germline. Affected: yes. Observed: 1 variant allele.
Comment: FAT2: BP4, BP7

PreventionGenetics, part of Exact Sciences
Classification: Likely benign for FAT2-related condition. Last evaluated: 2019-05-24. Review status: no assertion criteria provided. Collection method: clinical testing. Allele origin: germline. Not counted in ClinVar's aggregate classification.
Comment: This variant is classified as likely benign based on ACMG/AMP sequence variant interpretation guidelines (Richards et al. 2015 PMID: 25741868, with internal and published modifications).

NM_001447.3(FAT2):c.7122C>T (p.Asp2374=)

Genes: FAT2 (FAT atypical cadherin 2; minus strand), SLC36A1 (solute carrier family 36 member 1; plus strand). Cytogenetic location: 5q33.1.
Variant type: single nucleotide variant.
Coding change: c.7122C>T on transcript NM_001447.3 (MANE Select); coding-DNA position 7122, C replaced by T.
Protein change: p.Asp2374=; no amino-acid change (aspartic acid 2374 retained).
Molecular consequence: synonymous variant.
Genome position (GRCh38, 1-based): chr5:151,544,005, G>A on the plus strand (C>T on the coding strand, the complement: FAT2 is on the minus strand). VCF-style: chr5-151544005-G-A. GRCh37 (hg19) VCF-style: chr5-150923566-G-A.
Other names: c.7122C>T (NM_001447.2).
Identifiers: ClinVar variation 2655957 (VCV002655957.25), dbSNP rs775812164, ClinGen allele CA3521009.
Genomic context (GRCh38, chr5:151,544,005, plus strand): 5'-ACAGGTTGCCAGTTCACTGACATTGGCTTCATATTGAGGTTGTCTGAACTCTGGGGGGTT[G>A]TCATTGATATCAGACACATTGACAACCACAAGGGTTTCACCAGTGAGTGGGGGATCTCCT-3'
Protein context (NP_001438.1, residues 2364-2384): LVVVNVSDIN[Asp2374=]NPPEFRQPQY